The following is an entry in ClinVar:

ClinVar aggregate classification (germline): Uncertain significance (1 of 4 stars; one submission).

Allele frequency attached by ClinVar (database versions not stated): gnomAD 0.00001; gnomAD exomes 0.00001 and 0.00002; TOPMed 0.00001; ExAC 0.00002.
gnomAD v4.1: 13 of 1,614,008 alleles (0.00081%); highest among the groups gnomAD compares: East Asian, 0.011%; no homozygotes.

Submission:

Labcorp Genetics (formerly Invitae), Labcorp
Classification: Uncertain significance. Last evaluated: 2024-10-17. Review status: criteria provided, single submitter. Criteria: Invitae Variant Classification Sherloc (09022015). Collection method: clinical testing. Allele origin: germline.
Comment: This sequence change replaces aspartic acid, which is acidic and polar, with asparagine, which is neutral and polar, at codon 949 of the SETBP1 protein (p.Asp949Asn). This variant is present in population databases (rs781065090, gnomAD 0.006%). This variant has not been reported in the literature in individuals affected with SETBP1-related conditions. ClinVar contains an entry for this variant (Variation ID: 1439976). Invitae Evidence Modeling of protein sequence and biophysical properties (such as structural, functional, and spatial information, amino acid conservation, physicochemical variation, residue mobility, and thermodynamic stability) indicates that this missense variant is not expected to disrupt SETBP1 protein function with a negative predictive value of 80%. In summary, the available evidence is currently insufficient to determine the role of this variant in disease. Therefore, it has been classified as a Variant of Uncertain Significance.

NM_015559.3(SETBP1):c.2845G>A (p.Asp949Asn)

Gene: SETBP1 (SET binding protein 1; plus strand). Cytogenetic location: 18q12.3.
Variant type: single nucleotide variant.
Coding change: c.2845G>A on transcript NM_015559.3 (MANE Select); coding-DNA position 2845, G replaced by A.
Protein change: p.Asp949Asn; replaces aspartic acid 949 with asparagine.
Molecular consequence: missense variant.
Genome position (GRCh38, 1-based): chr18:44,952,185, G>A. VCF-style: chr18-44952185-G-A. GRCh37 (hg19) VCF-style: chr18-42532150-G-A.
Other names: c.2845G>A, p.Asp949Asn (NM_001379141.1, NM_001379142.1); short protein forms D949N.
Identifiers: ClinVar variation 1439976 (VCV001439976.5), dbSNP rs781065090, ClinGen allele CA8945812.